The following is an entry in ClinVar:

NM_006852.6(TLK2):c.1512A>G (p.Ile504Met)

Gene: TLK2 (tousled like kinase 2; plus strand). Cytogenetic location: 17q23.2.
Variant type: single nucleotide variant.
Coding change: c.1512A>G on transcript NM_006852.6 (MANE Select); coding-DNA position 1512, A replaced by G.
Protein change: p.Ile504Met; replaces isoleucine 504 with methionine.
Molecular consequence: missense variant.
Genome position (GRCh38, 1-based): chr17:62,596,636, A>G. VCF-style: chr17-62596636-A-G. GRCh37 (hg19) VCF-style: chr17-60673997-A-G.
Other names: c.1578A>G, p.Ile526Met (NM_001284333.3); c.1416A>G, p.Ile472Met (NM_001284363.1, NM_001375272.1, NM_001438203.1 and 1 more transcripts); c.1065A>G, p.Ile355Met (NM_001330418.3, NM_001375273.1); c.1554A>G, p.Ile518Met (NM_001375269.1); c.1512A>G, p.Ile504Met (NM_001375270.1, NM_001375271.1); c.1227A>G, p.Ile409Met (NM_001411074.1); c.1323A>G, p.Ile441Met (NM_001438205.1); short protein forms I355M, I409M, I441M, I472M, I504M, I518M, I526M.
Identifiers: ClinVar variation 4293416 (VCV004293416.1).

ClinVar aggregate classification (germline): Uncertain significance (1 of 4 stars; one submission).

Conditions:
Intellectual developmental disorder, autosomal dominant 57. Also called: MENTAL RETARDATION, AUTOSOMAL DOMINANT 57; Intellectual disability, autosomal dominant 57. Identifiers: MedGen C4748003, MONDO:0054837, OMIM 618050.

Submission:

3billion
Classification: Uncertain significance for Intellectual developmental disorder, autosomal dominant 57. Last evaluated: 2024-09-24. Review status: criteria provided, single submitter. Criteria: ACMG Guidelines, 2015. Collection method: clinical testing. Allele origin: germline. Affected: yes.
Comment: The variant is not observed in the gnomAD v4.0.0 dataset. Predicted Consequence/Location: Missense variant In silico tool predictions suggest damaging effect of the variant on gene or gene product [REVEL: 0.44 (>=0.6, sensitivity 0.68 and specificity 0.92); 3Cnet: 0.90 (>=0.6, sensitivity 0.72 and precision 0.9)]. The variant has been reported as of uncertain significance (ClinVar ID: VCV002437101). Therefore, this variant is classified as VUS according to the recommendation of ACMG/AMP guideline.